The following is an entry in ClinVar:

ClinVar aggregate classification (germline): Uncertain significance (1 of 4 stars; one submission).

Allele frequency attached by ClinVar (database versions not stated): ExAC 0.00003.

Submission:

Labcorp Genetics (formerly Invitae), Labcorp
Classification: Uncertain significance. Last evaluated: 2022-06-13. Review status: criteria provided, single submitter. Criteria: Invitae Variant Classification Sherloc (09022015). Collection method: clinical testing. Allele origin: germline.
Comment: This sequence change replaces arginine, which is basic and polar, with histidine, which is basic and polar, at codon 528 of the ADAMTS17 protein (p.Arg528His). This variant is present in population databases (rs764944699, gnomAD 0.006%). This variant has not been reported in the literature in individuals affected with ADAMTS17-related conditions. Algorithms developed to predict the effect of missense changes on protein structure and function are either unavailable or do not agree on the potential impact of this missense change (SIFT: "Not Available"; PolyPhen-2: "Probably Damaging"; Align-GVGD: "Not Available"). In summary, the available evidence is currently insufficient to determine the role of this variant in disease. Therefore, it has been classified as a Variant of Uncertain Significance.

NM_139057.4(ADAMTS17):c.1583G>A (p.Arg528His)

Gene: ADAMTS17 (ADAM metallopeptidase with thrombospondin type 1 motif 17; minus strand). Cytogenetic location: 15q26.3.
Variant type: single nucleotide variant.
Coding change: c.1583G>A on transcript NM_139057.4 (MANE Select); coding-DNA position 1583, G replaced by A.
Protein change: p.Arg528His; replaces arginine 528 with histidine.
Molecular consequence: missense variant.
Genome position (GRCh38, 1-based): chr15:100,132,145, C>T on the plus strand (G>A on the coding strand, the complement: ADAMTS17 is on the minus strand). VCF-style: chr15-100132145-C-T. GRCh37 (hg19) VCF-style: chr15-100672350-C-T.
Other names: short protein forms R528H.
Identifiers: ClinVar variation 1474362 (VCV001474362.5), dbSNP rs764944699, ClinGen allele CA7758164.
Genomic context (GRCh38, chr15:100,132,145, plus strand): 5'-GGGCTCCAGTCTCCGTCCACATGCTCCGGGATGGGCGTCTTGCTCACGCACTCCCCCGCG[C>T]GGCACCACTGAAACACAGCGGGGAGGGTCGGGGCCCAGGCACTCAGCAGAGCTGCTCACT-3'
Protein context (NP_620688.2, residues 518-538): GTECGADKWC[Arg528His]AGECVSKTPI